The following is an entry in ClinVar:

ClinVar aggregate classification (germline): Uncertain significance (1 of 4 stars; one submission).

Conditions:
Neurodevelopmental disorder and structural brain anomalies with or without seizures and spasticity. Identifiers: MedGen C5394423, MONDO:0030046, OMIM 618890.

Submission:

Dasa
Classification: Uncertain significance for neurodevelopmental disorder and structural brain anomalies with or without seizures and spasticity. Last evaluated: 2025-08-04. Review status: criteria provided, single submitter. Criteria: DASA Assertion Criteria. Collection method: clinical testing. Allele origin: germline.
Comment: NM_015466.4(PTPN23):c.759+1G>C affects a canonical splice site and is predicted to disrupt normal RNA splicing. This variant is absent from population databases. The currently available literature and clinical evidence are not sufficient to establish a definitive association between this variant and the reported condition. Therefore, this variant is classified as a variant of uncertain significance.

NM_015466.4(PTPN23):c.759+1G>C

Gene: PTPN23 (protein tyrosine phosphatase non-receptor type 23; plus strand). Cytogenetic location: 3p21.31.
Variant type: single nucleotide variant.
Coding change: c.759+1G>C on transcript NM_015466.4 (MANE Select); the canonical splice donor site of the intron after coding-DNA position 759, G replaced by C.
Molecular consequence: splice donor variant.
Genome position (GRCh38, 1-based): chr3:47,406,613, G>C. VCF-style: chr3-47406613-G-C. GRCh37 (hg19) VCF-style: chr3-47448103-G-C.
Other names: c.381+1G>C (NM_001304482.2).
Identifiers: ClinVar variation 4882094 (VCV004882094.2).